The following is an entry in ClinVar:

NM_005245.4(FAT1):c.9178T>C (p.Tyr3060His)

Gene: FAT1 (FAT atypical cadherin 1; minus strand). Cytogenetic location: 4q35.2.
Variant type: single nucleotide variant.
Coding change: c.9178T>C on transcript NM_005245.4 (MANE Select); coding-DNA position 9178, T replaced by C.
Protein change: p.Tyr3060His; replaces tyrosine 3060 with histidine.
Molecular consequence: missense variant.
Genome position (GRCh38, 1-based): chr4:186,614,242, A>G on the plus strand (T>C on the coding strand, the complement: FAT1 is on the minus strand). VCF-style: chr4-186614242-A-G. GRCh37 (hg19) VCF-style: chr4-187535396-A-G.
Other names: short protein forms Y3060H.
Identifiers: ClinVar variation 2126067 (VCV002126067.4), dbSNP rs2477438637, ClinGen allele CA358957568.

ClinVar aggregate classification (germline): Uncertain significance (1 of 4 stars; one submission).

Submission:

Labcorp Genetics (formerly Invitae), Labcorp
Classification: Uncertain significance. Last evaluated: 2022-04-13. Review status: criteria provided, single submitter. Criteria: Invitae Variant Classification Sherloc (09022015). Collection method: clinical testing. Allele origin: germline.
Comment: In summary, the available evidence is currently insufficient to determine the role of this variant in disease. Therefore, it has been classified as a Variant of Uncertain Significance. Algorithms developed to predict the effect of missense changes on protein structure and function (SIFT, PolyPhen-2, Align-GVGD) all suggest that this variant is likely to be disruptive. This variant has not been reported in the literature in individuals affected with FAT1-related conditions. This variant is not present in population databases (gnomAD no frequency). This sequence change replaces tyrosine, which is neutral and polar, with histidine, which is basic and polar, at codon 3060 of the FAT1 protein (p.Tyr3060His).